The following is an entry in ClinVar:

ClinVar aggregate classification (germline): Uncertain significance (1 of 4 stars; one submission).

Conditions:
Cardiovascular phenotype. Identifiers: MedGen CN230736.

Submission:

Ambry Genetics
Classification: Uncertain significance for Cardiovascular phenotype. Last evaluated: 2024-10-22. Review status: criteria provided, single submitter. Criteria: Ambry Variant Classification Scheme 2023. Collection method: clinical testing. Allele origin: germline.
Comment: The p.P1137L variant (also known as c.3410C>T), located in coding exon 8 of the HCN4 gene, results from a C to T substitution at nucleotide position 3410. The proline at codon 1137 is replaced by leucine, an amino acid with similar properties. This amino acid position is conserved. In addition, this alteration is predicted to be tolerated by in silico analysis. Based on the available evidence, the clinical significance of this variant remains unclear.

NM_005477.3(HCN4):c.3410C>T (p.Pro1137Leu)

Gene: HCN4 (hyperpolarization activated cyclic nucleotide gated potassium channel 4; minus strand). Cytogenetic location: 15q24.1.
Variant type: single nucleotide variant.
Coding change: c.3410C>T on transcript NM_005477.3 (MANE Select); coding-DNA position 3410, C replaced by T.
Protein change: p.Pro1137Leu; replaces proline 1137 with leucine.
Molecular consequence: missense variant.
Genome position (GRCh38, 1-based): chr15:73,322,683, G>A on the plus strand (C>T on the coding strand, the complement: HCN4 is on the minus strand). VCF-style: chr15-73322683-G-A. GRCh37 (hg19) VCF-style: chr15-73615024-G-A.
Other names: short protein forms P1137L.
Identifiers: ClinVar variation 3524309 (VCV003524309.1).